The following is an entry in ClinVar:

NM_004006.3(DMD):c.1238C>T (p.Ser413Leu)

Gene: DMD (dystrophin; minus strand). Cytogenetic location: Xp21.1.
Variant type: single nucleotide variant.
Coding change: c.1238C>T on transcript NM_004006.3 (MANE Select); coding-DNA position 1238, C replaced by T.
Protein change: p.Ser413Leu; replaces serine 413 with leucine.
Molecular consequence: missense variant.
Genome position (GRCh38, 1-based): chrX:32,644,225, G>A on the plus strand (C>T on the coding strand, the complement: DMD is on the minus strand). VCF-style: chrX-32644225-G-A. GRCh37 (hg19) VCF-style: chrX-32662342-G-A.
Other names: c.1214C>T, p.Ser405Leu (NM_000109.4); c.1226C>T, p.Ser409Leu (NM_004009.3); c.869C>T, p.Ser290Leu (NM_004010.3); short protein forms S409L, S405L, S413L, S290L.
Identifiers: ClinVar variation 4842498 (VCV004842498.1).

ClinVar aggregate classification (germline): Uncertain significance (1 of 4 stars; one submission).

Conditions:
Cardiovascular phenotype. Identifiers: MedGen CN230736.

gnomAD v4.1: 2 of 1,210,483 alleles (0.00017%); highest among the groups gnomAD compares: Non-Finnish European, 0.00022%; no homozygotes.

Submission:

Ambry Genetics
Classification: Uncertain significance for Cardiovascular phenotype. Last evaluated: 2025-12-30. Review status: criteria provided, single submitter. Criteria: Ambry Variant Classification Scheme 2023. Collection method: clinical testing. Allele origin: germline.
Comment: The p.S413L variant (also known as c.1238C>T), located in coding exon 11 of the DMD gene, results from a C to T substitution at nucleotide position 1238. The serine at codon 413 is replaced by leucine, an amino acid with dissimilar properties. This amino acid position is conserved. In addition, this alteration is predicted to be tolerated by in silico analysis. Based on the available evidence, the clinical significance of this variant remains unclear.